The following is an entry in ClinVar:

NM_058195.4(CDKN2A):c.173_180delinsTAGACGA (p.Gln58fs)

Gene: CDKN2A (cyclin dependent kinase inhibitor 2A; minus strand). Cytogenetic location: 9p21.3.
Variant type: Indel.
Coding change: c.173_180delinsTAGACGA on transcript NM_058195.4 (MANE Plus Clinical); coding-DNA positions 173 to 180, AGCCGCTT replaced by TAGACGA.
Protein change: p.Gln58fs; shifts the reading frame from glutamine 58.
Molecular consequence: frameshift variant. On other transcripts: intron variant (1).
Genome position (GRCh38, 1-based): chr9:21,994,152-21,994,159, AAGCGGCT replaced by TCGTCTA on the plus strand (AGCCGCTT replaced by TAGACGA on the coding strand, the reverse complement: CDKN2A is on the minus strand). VCF-style: chr9-21994152-AAGCGGCT-TCGTCTA. GRCh37 (hg19) VCF-style: chr9-21994151-AAGCGGCT-TCGTCTA.
Other names: c.-4+662_-4+669delinsTAGACGA (NM_001363763.2); short protein forms Q58fs.
Identifiers: ClinVar variation 1778965 (VCV001778965.2), dbSNP rs2489326779, ClinGen allele CA2580080293.

ClinVar aggregate classification (germline): Uncertain significance (1 of 4 stars; one submission).

Conditions:
Hereditary cancer-predisposing syndrome. Also called: Hereditary neoplastic syndrome; Neoplastic Syndromes, Hereditary; Tumor predisposition; Hereditary Cancer Syndrome. Identifiers: Orphanet 140162, MedGen C0027672, MeSH D009386, MONDO:0015356.

Submission:

Ambry Genetics
Classification: Uncertain significance for Hereditary cancer-predisposing syndrome. Last evaluated: 2021-07-19. Review status: criteria provided, single submitter. Criteria: Ambry Variant Classification Scheme 2023. Collection method: clinical testing. Allele origin: germline.
Comment: The c.173_180delAGCCGCTTinsTAGACGA variant, located in coding exon 1 of the CDKN2A (p14ARF) gene, results from the deletion of 8 nucleotides and insertion of 7 nucleotides causing a translational frameshift with a predicted alternate stop codon (p.Q58Lfs*114). This alteration occurs at the 3' terminus of CDKN2A (p14ARF) gene, is not expected to trigger nonsense-mediated mRNAdecay and results in the elongation of the protein by 38 amino acids. This frameshift impacts the last 75amino acids of the native protein. The exact functional effect of the altered amino acids is unknown. Further, loss of function has not been clearly established as a mechanism of disease for the p14 isoform of CDKN2A. Since supporting evidence is limited at this time, the clinical significance of this alteration remains unclear.